The following is an entry in ClinVar:

ClinVar aggregate classification (germline): Uncertain significance (1 of 4 stars; one submission).

Allele frequency attached by ClinVar (database versions not stated): gnomAD exomes below 0.00001 and 0.00001; ExAC 0.00001.
gnomAD v4.1: 2 of 1,591,814 alleles (0.00013%); highest among the groups gnomAD compares: Admixed American, 0.0018%; no homozygotes.

Submission:

Labcorp Genetics (formerly Invitae), Labcorp
Classification: Uncertain significance. Last evaluated: 2021-09-01. Review status: criteria provided, single submitter. Criteria: Invitae Variant Classification Sherloc (09022015). Collection method: clinical testing. Allele origin: germline.
Comment: This sequence change replaces serine with proline at codon 347 of the PCYT1A protein (p.Ser347Pro). The serine residue is moderately conserved and there is a moderate physicochemical difference between serine and proline. This variant is present in population databases (rs759958810, ExAC 0.009%). This variant has not been reported in the literature in individuals affected with PCYT1A-related conditions. Advanced modeling of protein sequence and biophysical properties (such as structural, functional, and spatial information, amino acid conservation, physicochemical variation, residue mobility, and thermodynamic stability) performed at Invitae indicates that this missense variant is not expected to disrupt PCYT1A protein function. In summary, the available evidence is currently insufficient to determine the role of this variant in disease. Therefore, it has been classified as a Variant of Uncertain Significance.

NM_001312673.2(PCYT1A):c.1039T>C (p.Ser347Pro)

Gene: PCYT1A (phosphate cytidylyltransferase 1A, choline; minus strand). Cytogenetic location: 3q29.
Variant type: single nucleotide variant.
Coding change: c.1039T>C on transcript NM_001312673.2 (MANE Select); coding-DNA position 1039, T replaced by C.
Protein change: p.Ser347Pro; replaces serine 347 with proline.
Molecular consequence: missense variant.
Genome position (GRCh38, 1-based): chr3:196,238,753, A>G on the plus strand (T>C on the coding strand, the complement: PCYT1A is on the minus strand). VCF-style: chr3-196238753-A-G. GRCh37 (hg19) VCF-style: chr3-195965624-A-G.
Other names: c.1039T>C, p.Ser347Pro (NM_005017.4); short protein forms S347P.
Identifiers: ClinVar variation 1059689 (VCV001059689.2), dbSNP rs759958810, ClinGen allele CA2779339.